The following is an entry in ClinVar:

NM_003153.5(STAT6):c.1141G>A (p.Glu381Lys)

Gene: STAT6 (signal transducer and activator of transcription 6; minus strand). Cytogenetic location: 12q13.3.
Variant type: single nucleotide variant.
Coding change: c.1141G>A on transcript NM_003153.5 (MANE Select); coding-DNA position 1141, G replaced by A.
Protein change: p.Glu381Lys; replaces glutamic acid 381 with lysine.
Molecular consequence: missense variant. On other transcripts: non-coding transcript variant (1).
Genome position (GRCh38, 1-based): chr12:57,104,535, C>T on the plus strand (G>A on the coding strand, the complement: STAT6 is on the minus strand). VCF-style: chr12-57104535-C-T. GRCh37 (hg19) VCF-style: chr12-57498318-C-T.
Other names: c.811G>A, p.Glu271Lys (NM_001178081.2, NM_001178080.2); c.1141G>A, p.Glu381Lys (NM_001178078.2, NM_001178079.2); short protein forms E271K, E381K.
Identifiers: ClinVar variation 3342078 (VCV003342078.16).

ClinVar aggregate classification (germline): Uncertain significance (1 of 4 stars; one submission).

Submission:

CeGaT Center for Human Genetics Tuebingen
Classification: Uncertain significance. Last evaluated: 2024-08-01. Review status: criteria provided, single submitter. Criteria: CeGaT Center For Human Genetics Tuebingen Variant Classification Criteria Version 2. Collection method: clinical testing. Allele origin: germline. Affected: yes. Observed: 1 variant allele.
Comment: STAT6: PM2